The following is an entry in ClinVar:

NM_001283009.2(RTEL1):c.3440G>T (p.Gly1147Val)

Genes: RTEL1 (regulator of telomere elongation helicase 1; plus strand), RTEL1-TNFRSF6B (RTEL1-TNFRSF6B readthrough (NMD candidate); plus strand). Cytogenetic location: 20q13.33.
Variant type: single nucleotide variant.
Coding change: c.3440G>T on transcript NM_001283009.2 (MANE Select); coding-DNA position 3440, G replaced by T.
Protein change: p.Gly1147Val; replaces glycine 1147 with valine.
Molecular consequence: missense variant. On other transcripts: non-coding transcript variant (1).
Genome position (GRCh38, 1-based): chr20:63,695,162, G>T. VCF-style: chr20-63695162-G-T. GRCh37 (hg19) VCF-style: chr20-62326515-G-T.
Other names: c.2771G>T, p.Gly924Val (NM_001283010.1); c.3440G>T, p.Gly1147Val (NM_016434.4); c.3512G>T, p.Gly1171Val (NM_032957.5); short protein forms G924V, G1171V, G1147V.
Identifiers: ClinVar variation 3435942 (VCV003435942.1).

ClinVar aggregate classification (germline): Uncertain significance (1 of 4 stars; one submission).

Conditions:
Inborn genetic diseases. Identifiers: MedGen C0950123, MeSH D030342.

gnomAD v4.1: 2 of 1,612,422 alleles (0.00012%); highest among the groups gnomAD compares: South Asian, 0.0011%; no homozygotes.

Submission:

Ambry Genetics
Classification: Uncertain significance for Inborn genetic diseases. Last evaluated: 2024-11-20. Review status: criteria provided, single submitter. Criteria: Ambry Variant Classification Scheme 2023. Collection method: clinical testing. Allele origin: germline.
Comment: The p.G1147V variant (also known as c.3440G>T), located in coding exon 32 of the RTEL1 gene, results from a G to T substitution at nucleotide position 3440. The glycine at codon 1147 is replaced by valine, an amino acid with dissimilar properties. This amino acid position is conserved. In addition, this alteration is predicted to be tolerated by in silico analysis. Based on the available evidence, the clinical significance of this variant remains unclear.